The following is an entry in ClinVar:

ClinVar aggregate classification (germline): Uncertain significance. Review status: criteria provided, multiple submitters, no conflicts (2 of 4 stars). 3 submissions from 3 submitters: Uncertain significance (3). Last evaluated 2026-02-02.

Conditions:
Inborn genetic diseases. Identifiers: MedGen C0950123, MeSH D030342.
Progressive myoclonic epilepsy. Also called: Myoclonus epilepsy; Familial progressive myoclonic epilepsy; Myoclonic Epilepsies, Progressive; Progressive myoclonus epilepsy. Identifiers: Orphanet 308, Orphanet 98261, MedGen C0751778, MONDO:0020074.

Allele frequency attached by ClinVar (database versions not stated): TOPMed 0.00003; gnomAD 0.00004 and 0.00005; gnomAD exomes 0.00003 and 0.00006; ExAC 0.00005.
gnomAD v4.1: 91 of 1,526,594 alleles (0.006%); highest among the groups gnomAD compares: Admixed American, 0.01%; no homozygotes.

Submissions (3):

Labcorp Genetics (formerly Invitae), Labcorp
Classification: Uncertain significance for Progressive myoclonic epilepsy. Last evaluated: 2026-02-02. Review status: criteria provided, single submitter. Criteria: Invitae Variant Classification Sherloc (09022015). Collection method: clinical testing. Allele origin: germline.
Comment: This sequence change replaces valine, which is neutral and non-polar, with methionine, which is neutral and non-polar, at codon 81 of the EPM2A protein (p.Val81Met). The frequency data for this variant in the population databases is considered unreliable, as metrics indicate poor data quality at this position in the gnomAD database. This variant has not been reported in the literature in individuals affected with EPM2A-related conditions. ClinVar contains an entry for this variant (Variation ID: 205437). Invitae Evidence Modeling of protein sequence and biophysical properties (such as structural, functional, and spatial information, amino acid conservation, physicochemical variation, residue mobility, and thermodynamic stability) has been performed for this missense variant. However, the output from this modeling did not meet the statistical confidence thresholds required to predict the impact of this variant on EPM2A protein function. In summary, the available evidence is currently insufficient to determine the role of this variant in disease. Therefore, it has been classified as a Variant of Uncertain Significance.

Ambry Genetics
Classification: Uncertain significance for Inborn genetic diseases. Last evaluated: 2024-12-22. Review status: criteria provided, single submitter. Criteria: Ambry Variant Classification Scheme 2023. Collection method: clinical testing. Allele origin: germline.

GeneDx
Classification: Uncertain significance. Last evaluated: 2020-01-16. Review status: criteria provided, single submitter. Criteria: GeneDx Variant Classification Process June 2021. Collection method: clinical testing. Allele origin: germline. Affected: yes.
Comment: Not observed at a significant frequency in large population cohorts (Lek et al., 2016); In silico analysis, which includes protein predictors and evolutionary conservation, supports that this variant does not alter protein structure/function; Has not been previously published as pathogenic or benign to our knowledge

NM_005670.4(EPM2A):c.241G>A (p.Val81Met)

Genes: EPM2A-DT (EPM2A divergent transcript; plus strand), EPM2A (EPM2A glucan phosphatase, laforin; minus strand), LOC129997381 (ATAC-STARR-seq lymphoblastoid silent region 17642; plus strand). Cytogenetic location: 6q24.3.
Variant type: single nucleotide variant.
Coding change: c.241G>A on transcript NM_005670.4 (MANE Select); coding-DNA position 241, G replaced by A.
Protein change: p.Val81Met; replaces valine 81 with methionine.
Molecular consequence: missense variant. On other transcripts: 5 prime UTR variant (3), intron variant (1).
Genome position (GRCh38, 1-based): chr6:145,735,258, C>T on the plus strand (G>A on the coding strand, the complement: EPM2A is on the minus strand). VCF-style: chr6-145735258-C-T. GRCh37 (hg19) VCF-style: chr6-146056394-C-T.
Other names: p.V81M:GTG>ATG; c.241G>A, p.Val81Met (NM_001018041.2, NM_001360057.2, NM_001368130.1); c.-429G>A (NM_001360071.2); c.-383G>A (NM_001368129.2); c.-127G>A (NM_001368131.1); c.-114+650G>A (NM_001360064.2); short protein forms V81M.
Identifiers: ClinVar variation 205437 (VCV000205437.10), dbSNP rs747386643, ClinGen allele CA314506.